The following is an entry in ClinVar:

NM_005006.7(NDUFS1):c.841A>G (p.Ile281Val)

Gene: NDUFS1 (NADH:ubiquinone oxidoreductase core subunit S1; minus strand). Cytogenetic location: 2q33.3.
Variant type: single nucleotide variant.
Coding change: c.841A>G on transcript NM_005006.7 (MANE Select); coding-DNA position 841, A replaced by G.
Protein change: p.Ile281Val; replaces isoleucine 281 with valine.
Molecular consequence: missense variant.
Genome position (GRCh38, 1-based): chr2:206,144,923, T>C on the plus strand (A>G on the coding strand, the complement: NDUFS1 is on the minus strand). VCF-style: chr2-206144923-T-C. GRCh37 (hg19) VCF-style: chr2-207009647-T-C.
Other names: c.733A>G, p.Ile245Val (NM_001199981.2); c.508A>G, p.Ile170Val (NM_001199982.2); c.670A>G, p.Ile224Val (NM_001199983.2); c.883A>G, p.Ile295Val (NM_001199984.2); short protein forms I170V, I224V, I245V, I281V, I295V.
Identifiers: ClinVar variation 1710700 (VCV001710700.2), dbSNP rs1692098879, ClinGen allele CA350057083.
Genomic context (GRCh38, chr2:206,144,923, plus strand): 5'-AAAGTTAAGGAAAACAATATAGCATATACCTGGTTTTATCAGAGATCCACTCTTCATTGA[T>C]GTCCTCATGCATACGTGGCAAAATCCTCATCACTTCTCCAGTTCTTGTGCTAACCACAAT-3'
Protein context (NP_004997.4, residues 271-291): MRILPRMHED[Ile281Val]NEEWISDKTR

ClinVar aggregate classification (germline): Uncertain significance (1 of 4 stars; one submission).

Allele frequency attached by ClinVar (database versions not stated): gnomAD exomes below 0.00001; TOPMed below 0.00001.
gnomAD v4.1: 6 of 1,614,104 alleles (0.00037%); highest among the groups gnomAD compares: Non-Finnish European, 0.00051%; no homozygotes.

Submission:

GeneDx
Classification: Uncertain significance. Last evaluated: 2022-10-14. Review status: criteria provided, single submitter. Criteria: GeneDx Variant Classification Process June 2021. Collection method: clinical testing. Allele origin: germline. Affected: yes.
Comment: Not observed at significant frequency in large population cohorts (gnomAD); In silico analysis supports that this missense variant does not alter protein structure/function; Has not been previously published as pathogenic or benign to our knowledge